The following is an entry in ClinVar:

ClinVar aggregate classification (germline): Uncertain significance (1 of 4 stars; one submission).

Allele frequency attached by ClinVar (database versions not stated): gnomAD exomes 0.00001; TOPMed 0.00002; gnomAD 0.00003.
gnomAD v4.1: 16 of 1,613,908 alleles (0.00099%); highest among the groups gnomAD compares: Admixed American, 0.013%; no homozygotes.

Submission:

Labcorp Genetics (formerly Invitae), Labcorp
Classification: Uncertain significance. Last evaluated: 2023-07-03. Review status: criteria provided, single submitter. Criteria: Invitae Variant Classification Sherloc (09022015). Collection method: clinical testing. Allele origin: germline.
Comment: This sequence change replaces arginine, which is basic and polar, with tryptophan, which is neutral and slightly polar, at codon 411 of the CAPN5 protein (p.Arg411Trp). This variant is present in population databases (no rsID available, gnomAD 0.01%). This variant has not been reported in the literature in individuals affected with CAPN5-related conditions. Advanced modeling of protein sequence and biophysical properties (such as structural, functional, and spatial information, amino acid conservation, physicochemical variation, residue mobility, and thermodynamic stability) performed at Invitae indicates that this missense variant is expected to disrupt CAPN5 protein function. In summary, the available evidence is currently insufficient to determine the role of this variant in disease. Therefore, it has been classified as a Variant of Uncertain Significance.

NM_004055.5(CAPN5):c.1231C>T (p.Arg411Trp)

Gene: CAPN5 (calpain 5; plus strand). Cytogenetic location: 11q13.5.
Variant type: single nucleotide variant.
Coding change: c.1231C>T on transcript NM_004055.5 (MANE Select); coding-DNA position 1231, C replaced by T.
Protein change: p.Arg411Trp; replaces arginine 411 with tryptophan.
Molecular consequence: missense variant.
Genome position (GRCh38, 1-based): chr11:77,119,093, C>T. VCF-style: chr11-77119093-C-T. GRCh37 (hg19) VCF-style: chr11-76830139-C-T.
Other names: c.1351C>T, p.Arg451Trp (NM_001425321.1); c.1231C>T, p.Arg411Trp (NM_001425322.1); c.1099C>T, p.Arg367Trp (NM_001425323.1); short protein forms R411W, R451W, R367W.
Identifiers: ClinVar variation 2962017 (VCV002962017.3), dbSNP rs1264178900, ClinGen allele CA381942333.